The following is an entry in ClinVar:

ClinVar aggregate classification (germline): Conflicting classifications of pathogenicity. Review status: criteria provided, conflicting classifications (1 of 4 stars). 2 submissions from 2 submitters: Uncertain significance (1); Likely benign (1). Last evaluated 2025-11-23.

Allele frequency attached by ClinVar (database versions not stated): ExAC 0.00001; gnomAD exomes 0.00001 and 0.00003; gnomAD 0.00009 and 0.00011; 1000 Genomes Project 30x 0.00016; TOPMed 0.00017; 1000 Genomes Project 0.00020.
gnomAD v4.1: 33 of 1,611,770 alleles (0.002%); highest among the groups gnomAD compares: African/African-American, 0.041%; no homozygotes.

Submissions (2):

Labcorp Genetics (formerly Invitae), Labcorp
Classification: Uncertain significance. Last evaluated: 2025-11-23. Review status: criteria provided, single submitter. Criteria: Invitae Variant Classification Sherloc (09022015). Collection method: clinical testing. Allele origin: germline.
Comment: This sequence change replaces glutamic acid, which is acidic and polar, with lysine, which is basic and polar, at codon 1070 of the CACNA2D4 protein (p.Glu1070Lys). This variant is present in population databases (rs557723623, gnomAD 0.05%). This variant has not been reported in the literature in individuals affected with CACNA2D4-related conditions. ClinVar contains an entry for this variant (Variation ID: 1024295). An algorithm developed to predict the effect of missense changes on protein structure and function (PolyPhen-2) suggests that this variant is likely to be tolerated. In summary, the available evidence is currently insufficient to determine the role of this variant in disease. Therefore, it has been classified as a Variant of Uncertain Significance.

Blueprint Genetics
Classification: Likely benign. Last evaluated: 2022-09-28. Review status: criteria provided, single submitter. Criteria: ACMG Guidelines, 2015. Collection method: clinical testing. Allele origin: germline.

NM_172364.5(CACNA2D4):c.3208G>A (p.Glu1070Lys)

Gene: CACNA2D4 (calcium voltage-gated channel auxiliary subunit alpha2delta 4; minus strand). Cytogenetic location: 12p13.33.
Variant type: single nucleotide variant.
Coding change: c.3208G>A on transcript NM_172364.5 (MANE Select); coding-DNA position 3208, G replaced by A.
Protein change: p.Glu1070Lys; replaces glutamic acid 1070 with lysine.
Molecular consequence: missense variant.
Genome position (GRCh38, 1-based): chr12:1,795,686, C>T on the plus strand (G>A on the coding strand, the complement: CACNA2D4 is on the minus strand). VCF-style: chr12-1795686-C-T. GRCh37 (hg19) VCF-style: chr12-1904852-C-T.
Other names: short protein forms E1070K.
Identifiers: ClinVar variation 1024295 (VCV001024295.8), dbSNP rs557723623, ClinGen allele CA6386035.
Genomic context (GRCh38, chr12:1,795,686, plus strand): 5'-CCCCCGCCCCCACCGCACACATCCCCGAGCATTGCAGGATATATTTGACTTCTGTCGCCT[C>T]CTGCAGCACTGGTGGGAAGATGCTGCAGTCACAGGTGGGGTCTGTCACCAGGAGGAGGAG-3'
Protein context (NP_758952.4, residues 1060-1080): DCSIFPPVLQ[Glu1070Lys]ATEVKYNASV